The following is an entry in ClinVar:

NM_006648.4(WNK2):c.4528G>T (p.Ala1510Ser)

Gene: WNK2 (WNK lysine deficient protein kinase 2; plus strand). Cytogenetic location: 9q22.31.
Variant type: single nucleotide variant.
Coding change: c.4528G>T on transcript NM_006648.4 (MANE Select); coding-DNA position 4528, G replaced by T.
Protein change: p.Ala1510Ser; replaces alanine 1510 with serine.
Molecular consequence: missense variant.
Genome position (GRCh38, 1-based): chr9:93,289,282, G>T. VCF-style: chr9-93289282-G-T. GRCh37 (hg19) VCF-style: chr9-96051564-G-T.
Other names: c.4639G>T, p.Ala1547Ser (NM_001282394.3); short protein forms A1547S, A1510S.
Identifiers: ClinVar variation 3817270 (VCV003817270.1).

ClinVar aggregate classification (germline): Uncertain significance (1 of 4 stars; one submission).

gnomAD v4.1: 10 of 1,599,678 alleles (0.00063%); highest among the groups gnomAD compares: South Asian, 0.011%; no homozygotes.

Submission:

Ambry Genetics
Classification: Uncertain significance. Last evaluated: 2025-03-12. Review status: criteria provided, single submitter. Criteria: Ambry Variant Classification Scheme 2023. Collection method: clinical testing. Allele origin: germline.
Comment: The p.A1510S variant (also known as c.4528G>T), located in coding exon 19 of the WNK2 gene, results from a G to T substitution at nucleotide position 4528. The alanine at codon 1510 is replaced by serine, an amino acid with similar properties. This amino acid position is conserved. In addition, this alteration is predicted to be tolerated by in silico analysis. Based on the available evidence, the clinical significance of this variant remains unclear.